The following is an entry in ClinVar:

ClinVar aggregate classification (germline): Pathogenic/Likely pathogenic. Review status: criteria provided, multiple submitters, no conflicts (2 of 4 stars). 3 submissions from 3 submitters: Pathogenic (1); Likely pathogenic (1). 1 of the submissions does not count toward it. Last evaluated 2024-02-04.

Conditions:
Stickler syndrome type 2 (STL2). Also called: STICKLER SYNDROME, TYPE II; STICKLER SYNDROME, BEADED VITREOUS TYPE; STICKLER SYNDROME, VITREOUS TYPE 2; COL11A1-Related Stickler Syndrome. Identifiers: Orphanet 828, Orphanet 90654, MedGen C1858084, MONDO:0011493, OMIM 604841.
Marshall syndrome (MRSHS). Identifiers: Orphanet 560, MedGen C0265235, MONDO:0007949, OMIM 154780.
COL11A1-related disorder. Also called: COL11A1-related condition; COL11A1-related disorders.

Submissions (3):

Labcorp Genetics (formerly Invitae), Labcorp
Classification: Pathogenic. Last evaluated: 2024-02-04. Review status: criteria provided, single submitter. Criteria: Invitae Variant Classification Sherloc (09022015). Collection method: clinical testing. Allele origin: germline.
Comment: This sequence change creates a premature translational stop signal (p.Arg651*) in the COL11A1 gene. It is expected to result in an absent or disrupted protein product. Loss-of-function variants in COL11A1 are known to be pathogenic (PMID: 20513134, 21035103, 23922384, 25240749, 32427345, 32756486). This variant is not present in population databases (gnomAD no frequency). This variant has not been reported in the literature in individuals affected with COL11A1-related conditions. For these reasons, this variant has been classified as Pathogenic.

Clinical Genomics Laboratory, Washington University in St. Louis
Classification: Likely pathogenic for Stickler syndrome type 2; Marshall syndrome. Last evaluated: 2023-11-29. Review status: criteria provided, single submitter. Criteria: ACMG Guidelines, 2015. Collection method: clinical testing. Allele origin: germline. Affected: yes.
Comment: The COL11A1 c.1951C>T (p.Arg651Ter) variant, to our knowledge, has not been reported in the medical literature and is absent from the general population (gnomAD v.2.1.1), indicating it is not a common variant. This variant causes a premature termination codon, which is predicted to lead to nonsense mediated decay. Additionally, other variants that introduce a premature termination codon in this region are described as pathogenic in the ClinVar database (Variation IDs: 1455649, 2128713, 2131680). Based on available information and the ACMG/AMP guidelines for variant interpretation (Richards S et al., PMID: 25741868), this variant is classified as likely pathogenic.

PreventionGenetics, part of Exact Sciences
Classification: Likely pathogenic for COL11A1-related condition. Last evaluated: 2024-08-29. Review status: no assertion criteria provided. Collection method: clinical testing. Allele origin: germline. Not counted in ClinVar's aggregate classification.
Comment: The COL11A1 c.1951C>T variant is predicted to result in premature protein termination (p.Arg651*). To our knowledge, this variant has not been reported in a large population database, indicating this variant is rare. Nonsense variants in COL11A1 are expected to be pathogenic. This variant is interpreted as likely pathogenic.

Literature cited by the submitters: PubMed 20513134 (cited by Labcorp Genetics (formerly Invitae), Labcorp); PubMed 21035103 (cited by Labcorp Genetics (formerly Invitae), Labcorp); PubMed 23922384 (cited by Labcorp Genetics (formerly Invitae), Labcorp); PubMed 25240749 (cited by Labcorp Genetics (formerly Invitae), Labcorp); PubMed 32427345 (cited by Labcorp Genetics (formerly Invitae), Labcorp); PubMed 32756486 (cited by Labcorp Genetics (formerly Invitae), Labcorp).

NM_001854.4(COL11A1):c.1951C>T (p.Arg651Ter)

Gene: COL11A1 (collagen type XI alpha 1 chain; minus strand). Cytogenetic location: 1p21.1.
Variant type: single nucleotide variant.
Coding change: c.1951C>T on transcript NM_001854.4 (MANE Select); coding-DNA position 1951, C replaced by T.
Protein change: p.Arg651Ter; replaces arginine 651 with a stop codon.
Molecular consequence: nonsense. On other transcripts: non-coding transcript variant (1).
Genome position (GRCh38, 1-based): chr1:103,003,262, G>A on the plus strand (C>T on the coding strand, the complement: COL11A1 is on the minus strand). VCF-style: chr1-103003262-G-A. GRCh37 (hg19) VCF-style: chr1-103468818-G-A.
Other names: c.1951C>T (NM_001854.3); c.1603C>T, p.Arg535Ter (NM_001168249.1, NM_080630.4); c.1834C>T, p.Arg612Ter (NM_001190709.2); c.1987C>T, p.Arg663Ter (NM_080629.3); short protein forms R535*, R612*, R651*, R663*.
Identifiers: ClinVar variation 3236626 (VCV003236626.4), dbSNP rs2525370664, ClinGen allele CA341171784.